The following is an entry in ClinVar:

ClinVar aggregate classification (germline): Conflicting classifications of pathogenicity. Review status: criteria provided, conflicting classifications (1 of 4 stars). 5 submissions from 5 submitters: Likely pathogenic (1); Uncertain significance (1). 3 of the submissions do not count toward it. Last evaluated 2025-12-10.

Conditions:
FADD-related immunodeficiency. Also called: FADD DEFICIENCY; Infections, recurrent, with encephalopathy, hepatic dysfunction, and cardiovascular malformations. Identifiers: Orphanet 306550, MedGen C3151062, MONDO:0013408, OMIM 613759.

Allele frequency attached by ClinVar (database versions not stated): gnomAD 0.00006; ExAC 0.00003; gnomAD exomes 0.00006 and 0.00011; ESP Exome Variant Server 0.00008; TOPMed 0.00010.
gnomAD v4.1: 163 of 1,613,948 alleles (0.01%); highest among the groups gnomAD compares: Non-Finnish European, 0.013%; no homozygotes.

Submissions (5):

Labcorp Genetics (formerly Invitae), Labcorp
Classification: Uncertain significance for FADD-related immunodeficiency. Last evaluated: 2025-12-10. Review status: criteria provided, single submitter. Criteria: Invitae Variant Classification Sherloc (09022015). Collection method: clinical testing. Allele origin: germline.
Comment: This sequence change replaces cysteine, which is neutral and slightly polar, with arginine, which is basic and polar, at codon 105 of the FADD protein (p.Cys105Arg). This variant is present in population databases (rs369869993, gnomAD 0.01%). This missense change has been observed in individual(s) with clinical features of FADD deficiency (PMID: 25326637, 32350755, 38752438). ClinVar contains an entry for this variant (Variation ID: 242496). An algorithm developed to predict the effect of missense changes on protein structure and function (PolyPhen-2) suggests that this variant is likely to be disruptive. This variant disrupts the p.Cys105 amino acid residue in FADD. Other variant(s) that disrupt this residue have been determined to be pathogenic (PMID: 21109225, 25794656). This suggests that this residue is clinically significant, and that variants that disrupt this residue are likely to be disease-causing. In summary, the available evidence is currently insufficient to determine the role of this variant in disease. Therefore, it has been classified as a Variant of Uncertain Significance.

Mayo Clinic Laboratories, Mayo Clinic
Classification: Likely pathogenic. Last evaluated: 2025-05-08. Review status: criteria provided, single submitter. Criteria: ACMG Guidelines, 2015. Collection method: clinical testing. Allele origin: germline. Observed: 1 variant allele.
Comment: PP3, PM3, PM5, PS3_supporting

OMIM
Classification: Pathogenic for IMMUNODEFICIENCY 90 WITH ENCEPHALOPATHY, FUNCTIONAL HYPOSPLENIA, AND HEPATIC DYSFUNCTION. Last evaluated: 2021-11-30. Review status: no assertion criteria provided. Collection method: literature only. Allele origin: germline. Not counted in ClinVar's aggregate classification.

Clinical Genetics DNA and cytogenetics Diagnostics Lab, Erasmus MC, Erasmus Medical Center
Classification: Likely pathogenic. Review status: no assertion criteria provided. Collection method: clinical testing. Allele origin: germline. Affected: yes. Study: VKGL Data-share Consensus. Not counted in ClinVar's aggregate classification.

Genome Diagnostics Laboratory, University Medical Center Utrecht
Classification: Likely pathogenic. Review status: no assertion criteria provided. Collection method: clinical testing. Allele origin: germline. Affected: yes. Study: VKGL Data-share Consensus. Not counted in ClinVar's aggregate classification.

Literature cited by the submitters: PubMed 25326637 (cited by Labcorp Genetics (formerly Invitae), Labcorp); PubMed 32350755 (cited by 3 submitters); PubMed 38752438 (cited by Labcorp Genetics (formerly Invitae), Labcorp); PubMed 21109225 (cited by Labcorp Genetics (formerly Invitae), Labcorp and Mayo Clinic Laboratories, Mayo Clinic); PubMed 25794656 (cited by Labcorp Genetics (formerly Invitae), Labcorp and Mayo Clinic Laboratories, Mayo Clinic); PubMed 36254101 (cited by Mayo Clinic Laboratories, Mayo Clinic).

NM_003824.4(FADD):c.313T>C (p.Cys105Arg)

Gene: FADD (Fas associated via death domain; plus strand). Cytogenetic location: 11q13.3.
Variant type: single nucleotide variant.
Coding change: c.313T>C on transcript NM_003824.4 (MANE Select); coding-DNA position 313, T replaced by C.
Protein change: p.Cys105Arg; replaces cysteine 105 with arginine.
Molecular consequence: missense variant.
Genome position (GRCh38, 1-based): chr11:70,206,159, T>C. VCF-style: chr11-70206159-T-C. GRCh37 (hg19) VCF-style: chr11-70052265-T-C.
Other names: p.Cys105Arg; short protein forms C105R.
Identifiers: ClinVar variation 242496 (VCV000242496.11), dbSNP rs369869993, ClinGen allele CA351251.